The following is an entry in ClinVar:

NM_000044.6(AR):c.667G>A (p.Asp223Asn)

Gene: AR (androgen receptor; plus strand). Cytogenetic location: Xq12.
Variant type: single nucleotide variant.
Coding change: c.667G>A on transcript NM_000044.6 (MANE Select); coding-DNA position 667, G replaced by A.
Protein change: p.Asp223Asn; replaces aspartic acid 223 with asparagine.
Molecular consequence: missense variant. On other transcripts: 5 prime UTR variant (1).
Genome position (GRCh38, 1-based): chrX:67,545,813, G>A. VCF-style: chrX-67545813-G-A. GRCh37 (hg19) VCF-style: chrX-66765655-G-A.
Other names: c.-1117G>A (NM_001011645.3); c.667G>A, p.Asp223Asn (NM_001348061.1, NM_001348063.1, NM_001348064.1); short protein forms D223N.
Identifiers: ClinVar variation 1687240 (VCV001687240.1), dbSNP rs1036966197, ClinGen allele CA330757134.
Genomic context (GRCh38, chrX:67,545,813, plus strand): 5'-TCCGAAGGCAGCAGCAGCGGGAGAGCGAGGGAGGCCTCGGGGGCTCCCACTTCCTCCAAG[G>A]ACAATTACTTAGGGGGCACTTCGACCATTTCTGACAACGCCAAGGAGTTGTGTAAGGCAG-3'
Protein context (NP_000035.2, residues 213-233): EASGAPTSSK[Asp223Asn]NYLGGTSTIS

ClinVar aggregate classification (germline): Uncertain significance (1 of 4 stars; one submission).

Conditions:
Partial androgen insensitivity syndrome (PAIS). Also called: Gynecomastia, familial; Pseudohermaphroditism, Incomplete male, type I; ANDROGEN INSENSITIVITY, PARTIAL, WITH OR WITHOUT BREAST CANCER; Reifenstein syndrome, partial; Androgen resistance syndrome, partial; Type I familial incomplete male pseudohermaphroditism. Identifiers: Orphanet 90797, MedGen C0268301, MONDO:0010720, OMIM 312300.

Allele frequency attached by ClinVar (database versions not stated): gnomAD exomes below 0.00001; TOPMed below 0.00001.
gnomAD v4.1: 3 of 1,212,175 alleles (0.00025%); highest among the groups gnomAD compares: African/African-American, 0.0035%; no homozygotes.

Submission:

3billion
Classification: Uncertain significance for Partial androgen insensitivity syndrome. Last evaluated: 2022-05-22. Review status: criteria provided, single submitter. Criteria: ACMG Guidelines, 2015. Collection method: clinical testing. Allele origin: germline. Affected: yes. Observed: 1 heterozygote.
Comment: The variant is not observed in the gnomAD v2.1.1 dataset. In silico tool predictions suggest damaging effect of the variant on gene or gene product (REVEL: 0.65; 3Cnet: 0.02). Therefore, this variant is classified as uncertain significanceaccording to the recommendation of ACMG/AMP guideline.